The following is an entry in ClinVar:

ClinVar aggregate classification (germline): Likely pathogenic (1 of 4 stars; one submission).

Conditions:
Pendred syndrome (PDS). Also called: Pendred Syndrome (PDS); GOITER-DEAFNESS SYNDROME; HYPOTHYROIDISM, CONGENITAL, DUE TO DYSHORMONOGENESIS, 2B; Pendred's syndrome; DEAFNESS WITH GOITER; THYROID DYSHORMONOGENESIS 2B. Identifiers: Orphanet 705, MedGen C0271829, MONDO:0010134, OMIM 274600.

Submission:

Myriad Genetics, Inc.
Classification: Likely pathogenic for Pendred syndrome. Last evaluated: 2022-03-17. Review status: criteria provided, single submitter. Criteria: Myriad Women's Health Autosomal Recessive and X-Linked Classification Criteria (2021). Collection method: clinical testing. Allele origin: unknown.
Comment: NM_000441.1(SLC26A4):c.78_79delCT(Y27Qfs*59) is expected to be pathogenic in the context of Pendred syndrome. This variant is predicted to lead to an abnormal or absent protein product due to the creation of a premature termination codon in SLC26A4, a gene where loss-of-function variants are known to be pathogenic. Please note: this variant was assessed in the context of healthy population screening.

NM_000441.2(SLC26A4):c.78_79del (p.Tyr27fs)

Genes: SLC26A4-AS1 (SLC26A4 antisense RNA 1; minus strand), SLC26A4 (solute carrier family 26 member 4; plus strand). Cytogenetic location: 7q22.3.
Variant type: Deletion.
Coding change: c.78_79del on transcript NM_000441.2 (MANE Select); coding-DNA positions 78 to 79, 2 bases deleted (CT; older notation c.78_79delCT).
Protein change: p.Tyr27fs; shifts the reading frame from tyrosine 27.
Molecular consequence: frameshift variant. On other transcripts: non-coding transcript variant (1).
Genome position (GRCh38, 1-based): chr7:107,661,719-107,661,720, CT deleted; deleting any 2 consecutive bases within chr7:107,661,718-107,661,720 gives the same sequence; the c. name uses the placement nearest the transcript's 3' end. VCF-style (leftmost placement, unchanged base first): chr7-107661717-GTC-G. GRCh37 (hg19) VCF-style: chr7-107302162-GTC-G.
Other names: short protein forms Y27fs.
Identifiers: ClinVar variation 1725365 (VCV001725365.2), dbSNP rs2535278171, ClinGen allele CA2580076146.
Genomic context (GRCh38, chr7:107,661,717, plus strand): 5'-GGCAGGTCGGAGCCGCCGCAGCTCCCCGAGTACAGCTGCAGCTACATGGTGTCGCGGCCG[GTC>G]TACAGCGAGCTCGCTTTCCAGCAACAGCACGAGCGGCGCCTGCAGGAGCGCAAGACGCTG-3'